The following is an entry in ClinVar:

NM_000059.4(BRCA2):c.6761T>G (p.Phe2254Cys)

Gene: BRCA2 (BRCA2 DNA repair associated; plus strand). Cytogenetic location: 13q13.1.
Variant type: single nucleotide variant.
Coding change: c.6761T>G on transcript NM_000059.4 (MANE Select); coding-DNA position 6761, T replaced by G.
Protein change: p.Phe2254Cys; replaces phenylalanine 2254 with cysteine.
Molecular consequence: missense variant.
Genome position (GRCh38, 1-based): chr13:32,341,116, T>G. VCF-style: chr13-32341116-T-G. GRCh37 (hg19) VCF-style: chr13-32915253-T-G.
Other names: short protein forms F2254C.
Identifiers: ClinVar variation 826610 (VCV000826610.6), dbSNP rs786202915, ClinGen allele CA387791183.

ClinVar aggregate classification (germline): Conflicting classifications of pathogenicity. Review status: criteria provided, conflicting classifications (1 of 4 stars). 2 submissions from 2 submitters: Uncertain significance (1); Likely benign (1). Last evaluated 2023-03-23.

Conditions:
Hereditary cancer-predisposing syndrome. Also called: Neoplastic Syndromes, Hereditary; Tumor predisposition; Hereditary neoplastic syndrome; Hereditary Cancer Syndrome. Identifiers: Orphanet 140162, MedGen C0027672, MeSH D009386, MONDO:0015356.

Submissions (2):

University of Washington Department of Laboratory Medicine, University of Washington
Classification: Likely benign for Hereditary cancer-predisposing syndrome. Last evaluated: 2023-03-23. Review status: criteria provided, single submitter. Criteria: Dines et al. (Genet Med. 2020). Collection method: curation. Allele origin: germline.
Comment: Missense variant in a coldspot region where missense variants are very unlikely to be pathogenic (PMID:31911673).

BRCA2 exon 11 coldspot. Reclassification based on statistical prior probability.

Ambry Genetics
Classification: Uncertain significance for Hereditary cancer-predisposing syndrome. Last evaluated: 2018-10-20. Review status: criteria provided, single submitter. Criteria: Ambry Variant Classification Scheme 2023. Collection method: clinical testing. Allele origin: germline.
Comment: The p.F2254C variant (also known as c.6761T>G), located in coding exon 10 of the BRCA2 gene, results from a T to G substitution at nucleotide position 6761. The phenylalanine at codon 2254 is replaced by cysteine, an amino acid with highly dissimilar properties. This amino acid position is not well conserved in available vertebrate species. In addition, the in silico prediction for this alteration is inconclusive. Since supporting evidence is limited at this time, the clinical significance of this alteration remains unclear.